The following is an entry in ClinVar:

NM_001244008.2(KIF1A):c.2866G>A (p.Val956Met)

Gene: KIF1A (kinesin family member 1A; minus strand). Cytogenetic location: 2q37.3.
Variant type: single nucleotide variant.
Coding change: c.2866G>A on transcript NM_001244008.2 (MANE Select); coding-DNA position 2866, G replaced by A.
Protein change: p.Val956Met; replaces valine 956 with methionine.
Molecular consequence: missense variant.
Genome position (GRCh38, 1-based): chr2:240,750,540, C>T on the plus strand (G>A on the coding strand, the complement: KIF1A is on the minus strand). VCF-style: chr2-240750540-C-T. GRCh37 (hg19) VCF-style: chr2-241689957-C-T.
Other names: c.2590G>A, p.Val864Met (NM_001320705.2, NM_001330289.2, NM_001379638.1); c.2665G>A, p.Val889Met (NM_001330290.2, NM_001379634.1, NM_001379635.1 and 1 more transcripts); c.2941G>A, p.Val981Met (NM_001379631.1); c.2815G>A, p.Val939Met (NM_001379632.1); c.2839G>A, p.Val947Met (NM_001379633.1, NM_001379642.1, NM_001379645.1); c.2563G>A, p.Val855Met (NM_001379636.1, NM_001379639.1, NM_001379640.1 and 7 more transcripts); c.2638G>A, p.Val880Met (NM_001379637.1, NM_001379648.1); short protein forms V889M, V939M, V864M, V855M, V956M, V880M, V947M, V981M.
Identifiers: ClinVar variation 2180815 (VCV002180815.4), dbSNP rs749709329, ClinGen allele CA2207994.

ClinVar aggregate classification (germline): Uncertain significance (1 of 4 stars; one submission).

Conditions:
Hereditary spastic paraplegia 30. Identifiers: Orphanet 101010, MedGen C5235139, MONDO:0012476.
Neuropathy, hereditary sensory, type 2C. Also called: Hereditary sensory and autonomic neuropathy type IIC; KIF1A-Related HSAN2 (HSAN2C). Identifiers: Orphanet 970, MedGen C3280168, MONDO:0013634, OMIM 614213.
Intellectual disability, autosomal dominant 9 (NESCAVS). Also called: NESCAV SYNDROME; KIF1A-Related Neurodevelopmental Disorder. Identifiers: Orphanet 662367, MedGen C5393830, MONDO:0013656, OMIM 614255.

Allele frequency attached by ClinVar (database versions not stated): gnomAD 0.00001; gnomAD exomes 0.00001; ExAC 0.00003.
gnomAD v4.1: 15 of 1,613,114 alleles (0.00093%); highest among the groups gnomAD compares: East Asian, 0.0067%; no homozygotes.

Submission:

Labcorp Genetics (formerly Invitae), Labcorp
Classification: Uncertain significance for Hereditary spastic paraplegia 30; Neuropathy, hereditary sensory, type 2C; Intellectual disability, autosomal dominant 9. Last evaluated: 2022-12-05. Review status: criteria provided, single submitter. Criteria: Invitae Variant Classification Sherloc (09022015). Collection method: clinical testing. Allele origin: germline.
Comment: In summary, the available evidence is currently insufficient to determine the role of this variant in disease. Therefore, it has been classified as a Variant of Uncertain Significance. Advanced modeling of protein sequence and biophysical properties (such as structural, functional, and spatial information, amino acid conservation, physicochemical variation, residue mobility, and thermodynamic stability) has been performed at Invitae for this missense variant, however the output from this modeling did not meet the statistical confidence thresholds required to predict the impact of this variant on KIF1A protein function. This variant has not been reported in the literature in individuals affected with KIF1A-related conditions. This variant is present in population databases (rs749709329, gnomAD 0.006%). This sequence change replaces valine, which is neutral and non-polar, with methionine, which is neutral and non-polar, at codon 855 of the KIF1A protein (p.Val855Met).